The following is an entry in ClinVar:

ClinVar aggregate classification (germline): Uncertain significance (1 of 4 stars; one submission).

Allele frequency attached by ClinVar (database versions not stated): ExAC 0.00001; 1000 Genomes Project 30x 0.00016; 1000 Genomes Project 0.00020.

Submission:

Labcorp Genetics (formerly Invitae), Labcorp
Classification: Uncertain significance. Last evaluated: 2022-03-26. Review status: criteria provided, single submitter. Criteria: Invitae Variant Classification Sherloc (09022015). Collection method: clinical testing. Allele origin: germline.
Comment: In summary, the available evidence is currently insufficient to determine the role of this variant in disease. Therefore, it has been classified as a Variant of Uncertain Significance. Algorithms developed to predict the effect of missense changes on protein structure and function output the following: SIFT: "Tolerated"; PolyPhen-2: "Benign"; Align-GVGD: "Class C0". The threonine amino acid residue is found in multiple mammalian species, which suggests that this missense change does not adversely affect protein function. This variant has not been reported in the literature in individuals affected with TYRP1-related conditions. This variant is present in population databases (rs183546444, gnomAD 0.007%). This sequence change replaces proline, which is neutral and non-polar, with threonine, which is neutral and polar, at codon 476 of the TYRP1 protein (p.Pro476Thr).

NM_000550.3(TYRP1):c.1426C>A (p.Pro476Thr)

Genes: LURAP1L-AS1 (LURAP1L antisense RNA 1; minus strand), TYRP1 (tyrosinase related protein 1; plus strand). Cytogenetic location: 9p23.
Variant type: single nucleotide variant.
Coding change: c.1426C>A on transcript NM_000550.3 (MANE Select); coding-DNA position 1426, C replaced by A.
Protein change: p.Pro476Thr; replaces proline 476 with threonine.
Molecular consequence: missense variant.
Genome position (GRCh38, 1-based): chr9:12,708,994, C>A. VCF-style: chr9-12708994-C-A. GRCh37 (hg19) VCF-style: chr9-12708994-C-A.
Other names: short protein forms P476T.
Identifiers: ClinVar variation 2117330 (VCV002117330.4), dbSNP rs183546444, ClinGen allele CA4985586.